The following is an entry in ClinVar:

ClinVar aggregate classification (germline): Uncertain significance. Review status: criteria provided, multiple submitters, no conflicts (2 of 4 stars). 2 submissions from 2 submitters: Uncertain significance (2). Last evaluated 2025-11-18.

Conditions:
Cardiovascular phenotype. Identifiers: MedGen CN230736.
Brugada syndrome 8 (BRGDA8). Identifiers: Orphanet 130, MedGen C2751083, MONDO:0013148, OMIM 613123.

Allele frequency attached by ClinVar (database versions not stated): ExAC below 0.00001; gnomAD exomes 0.00002 and 0.00003; TOPMed 0.00009; gnomAD 0.00012 and 0.00013; 1000 Genomes Project 0.00020; 1000 Genomes Project 30x 0.00031.

Submissions (2):

Labcorp Genetics (formerly Invitae), Labcorp
Classification: Uncertain significance for Brugada syndrome 8. Last evaluated: 2025-11-18. Review status: criteria provided, single submitter. Criteria: Invitae Variant Classification Sherloc (09022015). Collection method: clinical testing. Allele origin: germline.
Comment: This sequence change replaces leucine, which is neutral and non-polar, with phenylalanine, which is neutral and non-polar, at codon 1074 of the HCN4 protein (p.Leu1074Phe). This variant is present in population databases (rs200399862, gnomAD 0.01%). This variant has not been reported in the literature in individuals affected with HCN4-related conditions. ClinVar contains an entry for this variant (Variation ID: 859608). Invitae Evidence Modeling of protein sequence and biophysical properties (such as structural, functional, and spatial information, amino acid conservation, physicochemical variation, residue mobility, and thermodynamic stability) has been performed for this missense variant. However, the output from this modeling did not meet the statistical confidence thresholds required to predict the impact of this variant on HCN4 protein function. In summary, the available evidence is currently insufficient to determine the role of this variant in disease. Therefore, it has been classified as a Variant of Uncertain Significance.

Ambry Genetics
Classification: Uncertain significance for Cardiovascular phenotype. Last evaluated: 2024-12-24. Review status: criteria provided, single submitter. Criteria: Ambry Variant Classification Scheme 2023. Collection method: clinical testing. Allele origin: germline.
Comment: The p.L1074F variant (also known as c.3220C>T), located in coding exon 8 of the HCN4 gene, results from a C to T substitution at nucleotide position 3220. The leucine at codon 1074 is replaced by phenylalanine, an amino acid with highly similar properties. This amino acid position is not well conserved in available vertebrate species. In addition, this alteration is predicted to be tolerated by in silico analysis. Based on the available evidence, the clinical significance of this variant remains unclear.

NM_005477.3(HCN4):c.3220C>T (p.Leu1074Phe)

Gene: HCN4 (hyperpolarization activated cyclic nucleotide gated potassium channel 4; minus strand). Cytogenetic location: 15q24.1.
Variant type: single nucleotide variant.
Coding change: c.3220C>T on transcript NM_005477.3 (MANE Select); coding-DNA position 3220, C replaced by T.
Protein change: p.Leu1074Phe; replaces leucine 1074 with phenylalanine.
Molecular consequence: missense variant.
Genome position (GRCh38, 1-based): chr15:73,322,873, G>A on the plus strand (C>T on the coding strand, the complement: HCN4 is on the minus strand). VCF-style: chr15-73322873-G-A. GRCh37 (hg19) VCF-style: chr15-73615214-G-A.
Other names: short protein forms L1074F.
Identifiers: ClinVar variation 859608 (VCV000859608.13), dbSNP rs200399862, ClinGen allele CA7648864.